The following is an entry in ClinVar:

ClinVar aggregate classification (germline): Uncertain significance. Review status: criteria provided, multiple submitters, no conflicts (2 of 4 stars). 2 submissions from 2 submitters: Uncertain significance (2). Last evaluated 2022-08-21.

Conditions:
Inborn genetic diseases. Identifiers: MedGen C0950123, MeSH D030342.

Allele frequency attached by ClinVar (database versions not stated): gnomAD exomes below 0.00001; TOPMed 0.00001.
gnomAD v4.1: 5 of 1,613,842 alleles (0.00031%); highest among the groups gnomAD compares: Non-Finnish European, 0.00042%; no homozygotes.

Submissions (2):

Labcorp Genetics (formerly Invitae), Labcorp
Classification: Uncertain significance. Last evaluated: 2022-08-21. Review status: criteria provided, single submitter. Criteria: Invitae Variant Classification Sherloc (09022015). Collection method: clinical testing. Allele origin: germline.
Comment: This sequence change replaces glutamine, which is neutral and polar, with arginine, which is basic and polar, at codon 66 of the OCA2 protein (p.Gln66Arg). This variant is present in population databases (no rsID available, gnomAD 0.0009%). This variant has not been reported in the literature in individuals affected with OCA2-related conditions. Advanced modeling of protein sequence and biophysical properties (such as structural, functional, and spatial information, amino acid conservation, physicochemical variation, residue mobility, and thermodynamic stability) performed at Invitae indicates that this missense variant is not expected to disrupt OCA2 protein function. In summary, the available evidence is currently insufficient to determine the role of this variant in disease. Therefore, it has been classified as a Variant of Uncertain Significance.

Ambry Genetics
Classification: Uncertain significance for Inborn genetic diseases. Last evaluated: 2022-05-11. Review status: criteria provided, single submitter. Criteria: Ambry Variant Classification Scheme 2023. Collection method: clinical testing. Allele origin: germline.

NM_000275.3(OCA2):c.197A>G (p.Gln66Arg)

Gene: OCA2 (OCA2 melanosomal transmembrane protein; minus strand). Cytogenetic location: 15q13.1.
Variant type: single nucleotide variant.
Coding change: c.197A>G on transcript NM_000275.3 (MANE Select); coding-DNA position 197, A replaced by G.
Protein change: p.Gln66Arg; replaces glutamine 66 with arginine.
Molecular consequence: missense variant.
Genome position (GRCh38, 1-based): chr15:28,081,678, T>C on the plus strand (A>G on the coding strand, the complement: OCA2 is on the minus strand). VCF-style: chr15-28081678-T-C. GRCh37 (hg19) VCF-style: chr15-28326824-T-C.
Other names: c.197A>G, p.Gln66Arg (NM_001300984.2); short protein forms Q66R.
Identifiers: ClinVar variation 1960897 (VCV001960897.3), dbSNP rs1322917049, ClinGen allele CA391366581.
Genomic context (GRCh38, chr15:28,081,678, plus strand): 5'-ATTTACAAGATGGCACTATTTTAAACTCACCTCCCTTTTGTGAGGAATGAAGCAAACTCC[T>C]GGCCTGCAGGAGCCCAAGAGCTCTGCCCGGCAGCCCCCCTGGGGCAGGAGTGCGAGGGGT-3'
Protein context (NP_000266.2, residues 56-76): AGQSSWAPAG[Gln66Arg]EFASFLTKGR